The following is an entry in ClinVar:

NM_001184.4(ATR):c.4649C>T (p.Ala1550Val)

Gene: ATR (ATR checkpoint kinase; minus strand). Cytogenetic location: 3q23.
Variant type: single nucleotide variant.
Coding change: c.4649C>T on transcript NM_001184.4 (MANE Select); coding-DNA position 4649, C replaced by T.
Protein change: p.Ala1550Val; replaces alanine 1550 with valine.
Molecular consequence: missense variant.
Genome position (GRCh38, 1-based): chr3:142,512,463, G>A on the plus strand (C>T on the coding strand, the complement: ATR is on the minus strand). VCF-style: chr3-142512463-G-A. GRCh37 (hg19) VCF-style: chr3-142231305-G-A.
Other names: c.4457C>T, p.Ala1486Val (NM_001354579.2); short protein forms A1550V, A1486V.
Identifiers: ClinVar variation 965071 (VCV000965071.6), dbSNP rs184380561, ClinGen allele CA2649788.
Genomic context (GRCh38, chr3:142,512,463, plus strand): 5'-GCAATGTCTTGGGTATTTATGGTATGCTGATCGTCATGCTTTAGAACTGCCATAATTTCT[G>A]CATAAACCTATGAGAATCATTTATAATTAATAATAATATCTATATAATACCATTTAACTA-3'
Protein context (NP_001175.2, residues 1540-1560): CNQEDQQEVY[Ala1550Val]EIMAVLKHDD

ClinVar aggregate classification (germline): Uncertain significance (1 of 4 stars; one submission).

Allele frequency attached by ClinVar (database versions not stated): gnomAD exomes 0.00002 and 0.00009; gnomAD 0.00003 and 0.00005; TOPMed 0.00006; ExAC 0.00007; 1000 Genomes Project 0.00040; 1000 Genomes Project 30x 0.00047.
gnomAD v4.1: 44 of 1,604,120 alleles (0.0027%); highest among the groups gnomAD compares: East Asian, 0.085%; no homozygotes.

Submission:

Labcorp Genetics (formerly Invitae), Labcorp
Classification: Uncertain significance. Last evaluated: 2025-11-03. Review status: criteria provided, single submitter. Criteria: Invitae Variant Classification Sherloc (09022015). Collection method: clinical testing. Allele origin: germline.
Comment: This sequence change replaces alanine, which is neutral and non-polar, with valine, which is neutral and non-polar, at codon 1550 of the ATR protein (p.Ala1550Val). This variant is present in population databases (rs184380561, gnomAD 0.1%). This variant has not been reported in the literature in individuals affected with ATR-related conditions. ClinVar contains an entry for this variant (Variation ID: 965071). An algorithm developed to predict the effect of missense changes on protein structure and function (PolyPhen-2) suggests that this variant is likely to be tolerated. In summary, the available evidence is currently insufficient to determine the role of this variant in disease. Therefore, it has been classified as a Variant of Uncertain Significance.